The following is an entry in ClinVar:

NM_001165963.4(SCN1A):c.4073G>A (p.Trp1358Ter)

Genes: SCN1A (sodium voltage-gated channel alpha subunit 1; minus strand), LOC102724058 (uncharacterized LOC102724058; plus strand). Cytogenetic location: 2q24.3.
Variant type: single nucleotide variant.
Coding change: c.4073G>A on transcript NM_001165963.4 (MANE Select); coding-DNA position 4073, G replaced by A.
Protein change: p.Trp1358Ter; replaces tryptophan 1358 with a stop codon.
Molecular consequence: nonsense. On other transcripts: non-coding transcript variant (1).
Genome position (GRCh38, 1-based): chr2:166,002,683, C>T on the plus strand (G>A on the coding strand, the complement: SCN1A is on the minus strand). VCF-style: chr2-166002683-C-T. GRCh37 (hg19) VCF-style: chr2-166859193-C-T.
Other names: c.3989G>A, p.Trp1330Ter (NM_001165964.3, NM_001353957.2, NM_001353958.2); c.4073G>A, p.Trp1358Ter (NM_001202435.3, NM_001353948.2); c.4040G>A, p.Trp1347Ter (NM_001353949.2, NM_001353950.2, NM_001353951.2 and 2 more transcripts); c.4037G>A, p.Trp1346Ter (NM_001353954.2, NM_001353955.2); c.3986G>A, p.Trp1329Ter (NM_001353960.2); c.1631G>A, p.Trp544Ter (NM_001353961.2); c.4073G>A (NM_001165963.1); short protein forms W1358*, W1346*, W544*, W1329*, W1330*, W1347*.
Identifiers: ClinVar variation 1458263 (VCV001458263.9), dbSNP rs121917961, ClinGen allele CA349050604.

ClinVar aggregate classification (germline): Pathogenic/Likely pathogenic. Review status: criteria provided, multiple submitters, no conflicts (2 of 4 stars). 3 submissions from 3 submitters: Pathogenic (2); Likely pathogenic (1). Last evaluated 2024-12-22.

Conditions:
Early-infantile DEE. Also called: Early infantile epileptic encephalopathy; Ohtahara syndrome; Early infantile epileptic encephalopathy with suppression bursts. Identifiers: Orphanet 1934, MedGen C0393706, MONDO:0800491.

Submissions (3):

GeneDx
Classification: Pathogenic. Last evaluated: 2024-12-22. Review status: criteria provided, single submitter. Criteria: GeneDx Variant Classification Process June 2021. Collection method: clinical testing. Allele origin: germline. Affected: yes.
Comment: Nonsense variant predicted to result in protein truncation or nonsense mediated decay in a gene for which loss of function is a known mechanism of disease; Not observed at significant frequency in large population cohorts (gnomAD); This variant is associated with the following publications: (PMID: 25525159, 32090326, 35074891, 21248271)

Labcorp Genetics (formerly Invitae), Labcorp
Classification: Pathogenic for Early-infantile DEE. Last evaluated: 2021-04-11. Review status: criteria provided, single submitter. Criteria: Invitae Variant Classification Sherloc (09022015). Collection method: clinical testing. Allele origin: germline.
Comment: This variant is not present in population databases (ExAC no frequency). For these reasons, this variant has been classified as Pathogenic. Algorithms developed to predict the effect of sequence changes on RNA splicing suggest that this variant may create or strengthen a splice site, but this prediction has not been confirmed by published transcriptional studies. This variant has not been reported in the literature in individuals with SCN1A-related conditions. This sequence change creates a premature translational stop signal (p.Trp1358*) in the SCN1A gene. It is expected to result in an absent or disrupted protein product. Loss-of-function variants in SCN1A are known to be pathogenic (PMID: 17347258, 18930999).

Laboratorio de Genetica e Diagnostico Molecular, Hospital Israelita Albert Einstein
Classification: Likely pathogenic. Last evaluated: 2020-10-21. Review status: criteria provided, single submitter. Criteria: ACMG Guidelines, 2015. Collection method: clinical testing. Allele origin: germline. Affected: yes.
Comment: ACMG classification criteria: PVS1, PM2

Literature cited by the submitters: PubMed 17347258 (cited by Labcorp Genetics (formerly Invitae), Labcorp); PubMed 18930999 (cited by Labcorp Genetics (formerly Invitae), Labcorp).